The following is an entry in ClinVar:

NM_001048174.2(MUTYH):c.734C>T (p.Ala245Val)

Gene: MUTYH (mutY DNA glycosylase; minus strand). Cytogenetic location: 1p34.1.
Variant type: single nucleotide variant.
Coding change: c.734C>T on transcript NM_001048174.2 (MANE Select); coding-DNA position 734, C replaced by T.
Protein change: p.Ala245Val; replaces alanine 245 with valine.
Molecular consequence: missense variant. On other transcripts: non-coding transcript variant (2).
Genome position (GRCh38, 1-based): chr1:45,332,281, G>A on the plus strand (C>T on the coding strand, the complement: MUTYH is on the minus strand). VCF-style: chr1-45332281-G-A. GRCh37 (hg19) VCF-style: chr1-45797953-G-A.
Other names: c.734C>T, p.Ala245Val (NM_001048171.2, NM_001048173.2, NM_001293195.2); c.737C>T, p.Ala246Val (NM_001048172.2); c.818C>T, p.Ala273Val (NM_001128425.2); c.779C>T, p.Ala260Val (NM_001293190.2); c.767C>T, p.Ala256Val (NM_001293191.2); c.458C>T, p.Ala153Val (NM_001293192.2, NM_001293196.2); c.389C>T, p.Ala130Val (NM_001350650.2, NM_001350651.2); c.809C>T, p.Ala270Val (NM_012222.3); short protein forms A273V, A260V, A246V, A270V, A245V, A130V, A153V, A256V.
Identifiers: ClinVar variation 481805 (VCV000481805.16), dbSNP rs1553127798, ClinGen allele CA340134672.
Genomic context (GRCh38, chr1:45,332,281, plus strand): 5'-TGTGGGGTACACACTGTGGCCCCTAGCTCCATGGCTGCTTGGTTGAAATCTCCTGGCCGG[G>A]CTGGGTCCACCAGCTGCTGGGCTAGACCCCTAAAAGAAGGGAACACTGCTGTGAAGCAGA-3'
Protein context (NP_001041639.1, residues 235-255): WGLAQQLVDP[Ala245Val]RPGDFNQAAM

ClinVar aggregate classification (germline): Conflicting classifications of pathogenicity. Review status: criteria provided, conflicting classifications (1 of 4 stars). 3 submissions from 3 submitters: Uncertain significance (2); Benign (1). Last evaluated 2025-09-16.

Conditions:
Hereditary cancer-predisposing syndrome. Also called: Hereditary neoplastic syndrome; Hereditary Cancer Syndrome; Neoplastic Syndromes, Hereditary; Tumor predisposition. Identifiers: Orphanet 140162, MedGen C0027672, MeSH D009386, MONDO:0015356.
Familial adenomatous polyposis 2. Also called: MYH-associated polyposis; COLORECTAL ADENOMATOUS POLYPOSIS, AUTOSOMAL RECESSIVE; ADENOMAS, MULTIPLE COLORECTAL, AUTOSOMAL RECESSIVE; MUTYH-related attenuated familial adenomatous polyposis; Adenomas, multiple colorectal; FAP type 2. Identifiers: Orphanet 220460, Orphanet 247798, MedGen C3272841, MONDO:0012041, OMIM 608456.

Allele frequency attached by ClinVar (database versions not stated): gnomAD exomes below 0.00001.
gnomAD v4.1: 4 of 1,614,116 alleles (0.00025%); highest among the groups gnomAD compares: Non-Finnish European, 0.00034%; no homozygotes.

Submissions (3):

Ambry Genetics
Classification: Benign for Hereditary cancer-predisposing syndrome. Last evaluated: 2025-09-16. Review status: criteria provided, single submitter. Criteria: Ambry Variant Classification Scheme 2023. Collection method: clinical testing. Allele origin: germline.

Labcorp Genetics (formerly Invitae), Labcorp
Classification: Uncertain significance for Familial adenomatous polyposis 2. Last evaluated: 2025-06-12. Review status: criteria provided, single submitter. Criteria: Invitae Variant Classification Sherloc (09022015). Collection method: clinical testing. Allele origin: germline.
Comment: This sequence change replaces alanine, which is neutral and non-polar, with valine, which is neutral and non-polar, at codon 273 of the MUTYH protein (p.Ala273Val). This variant is not present in population databases (gnomAD no frequency). This variant has not been reported in the literature in individuals affected with MUTYH-related conditions. ClinVar contains an entry for this variant (Variation ID: 481805). An algorithm developed to predict the effect of missense changes on protein structure and function outputs the following: PolyPhen-2: "Benign". The valine amino acid residue is found in multiple mammalian species, which suggests that this missense change does not adversely affect protein function. In summary, the available evidence is currently insufficient to determine the role of this variant in disease. Therefore, it has been classified as a Variant of Uncertain Significance.

Baylor Genetics
Classification: Uncertain significance for Familial adenomatous polyposis 2. Last evaluated: 2024-02-12. Review status: criteria provided, single submitter. Criteria: ACMG Guidelines, 2015. Collection method: clinical testing. Allele origin: unknown.